The following is an entry in ClinVar:

NM_006295.3(VARS1):c.2506C>G (p.Leu836Val)

Gene: VARS1 (valyl-tRNA synthetase 1; minus strand). Cytogenetic location: 6p21.33.
Variant type: single nucleotide variant.
Coding change: c.2506C>G on transcript NM_006295.3 (MANE Select); coding-DNA position 2506, C replaced by G.
Protein change: p.Leu836Val; replaces leucine 836 with valine.
Molecular consequence: missense variant.
Genome position (GRCh38, 1-based): chr6:31,781,519, G>C on the plus strand (C>G on the coding strand, the complement: VARS1 is on the minus strand). VCF-style: chr6-31781519-G-C. GRCh37 (hg19) VCF-style: chr6-31749296-G-C.
Other names: short protein forms L836V.
Identifiers: ClinVar variation 3188170 (VCV003188170.2), dbSNP rs1813143878, ClinGen allele CA363448900.

ClinVar aggregate classification (germline): Uncertain significance. Review status: criteria provided, multiple submitters, no conflicts (2 of 4 stars). 2 submissions from 2 submitters: Uncertain significance (2). Last evaluated 2025-06-12.

Conditions:
Inborn genetic diseases. Identifiers: MedGen C0950123, MeSH D030342.

Allele frequency attached by ClinVar (database versions not stated): gnomAD exomes below 0.00001; gnomAD 0.00001; TOPMed 0.00002.
gnomAD v4.1: 4 of 1,612,892 alleles (0.00025%); highest among the groups gnomAD compares: South Asian, 0.0022%; no homozygotes.

Submissions (2):

Labcorp Genetics (formerly Invitae), Labcorp
Classification: Uncertain significance. Last evaluated: 2025-06-12. Review status: criteria provided, single submitter. Criteria: Invitae Variant Classification Sherloc (09022015). Collection method: clinical testing. Allele origin: germline.
Comment: This sequence change replaces leucine, which is neutral and non-polar, with valine, which is neutral and non-polar, at codon 836 of the VARS1 protein (p.Leu836Val). This variant is not present in population databases (gnomAD no frequency). This variant has not been reported in the literature in individuals affected with VARS1-related conditions. ClinVar contains an entry for this variant (Variation ID: 3188170). Invitae Evidence Modeling of protein sequence and biophysical properties (such as structural, functional, and spatial information, amino acid conservation, physicochemical variation, residue mobility, and thermodynamic stability) indicates that this missense variant is not expected to disrupt VARS1 protein function with a negative predictive value of 80%. In summary, the available evidence is currently insufficient to determine the role of this variant in disease. Therefore, it has been classified as a Variant of Uncertain Significance.

Ambry Genetics
Classification: Uncertain significance for Inborn genetic diseases. Last evaluated: 2023-10-30. Review status: criteria provided, single submitter. Criteria: Ambry Variant Classification Scheme 2023. Collection method: clinical testing. Allele origin: germline.